The following is an entry in ClinVar:

ClinVar aggregate classification (germline): Uncertain significance. Review status: criteria provided, multiple submitters, no conflicts (2 of 4 stars). 3 submissions from 3 submitters: Uncertain significance (2). 1 of the submissions does not count toward it. Last evaluated 2025-04-28.

Conditions:
Usher syndrome type 1B (USH1B). Also called: Usher syndrome type IB. Identifiers: MedGen C1848638, MONDO:0700087.
Inborn genetic diseases. Identifiers: MedGen C0950123, MeSH D030342.

Allele frequency attached by ClinVar (database versions not stated): gnomAD 0.00001; TOPMed 0.00001; gnomAD exomes below 0.00001; ExAC 0.00002.
gnomAD v4.1: 8 of 1,600,166 alleles (0.0005%); highest among the groups gnomAD compares: Non-Finnish European, 0.00068%; no homozygotes.

Submissions (3):

Labcorp Genetics (formerly Invitae), Labcorp
Classification: Uncertain significance. Last evaluated: 2025-04-28. Review status: criteria provided, single submitter. Criteria: Invitae Variant Classification Sherloc (09022015). Collection method: clinical testing. Allele origin: germline.
Comment: This sequence change replaces asparagine, which is neutral and polar, with serine, which is neutral and polar, at codon 1793 of the MYO7A protein (p.Asn1793Ser). This variant is present in population databases (rs745704600, gnomAD 0.001%). This variant has not been reported in the literature in individuals affected with MYO7A-related conditions. ClinVar contains an entry for this variant (Variation ID: 942154). Invitae Evidence Modeling of protein sequence and biophysical properties (such as structural, functional, and spatial information, amino acid conservation, physicochemical variation, residue mobility, and thermodynamic stability) indicates that this missense variant is not expected to disrupt MYO7A protein function with a negative predictive value of 95%. In summary, the available evidence is currently insufficient to determine the role of this variant in disease. Therefore, it has been classified as a Variant of Uncertain Significance.

Ambry Genetics
Classification: Uncertain significance for Inborn genetic diseases. Last evaluated: 2024-11-11. Review status: criteria provided, single submitter. Criteria: Ambry Variant Classification Scheme 2023. Collection method: clinical testing. Allele origin: germline.

Natera, Inc.
Classification: Uncertain significance for Usher syndrome type 1B. Last evaluated: 2020-07-28. Review status: no assertion criteria provided. Collection method: clinical testing. Allele origin: germline. Not counted in ClinVar's aggregate classification.

NM_000260.4(MYO7A):c.5378A>G (p.Asn1793Ser)

Gene: MYO7A (myosin VIIA; plus strand). Cytogenetic location: 11q13.5.
Variant type: single nucleotide variant.
Coding change: c.5378A>G on transcript NM_000260.4 (MANE Select); coding-DNA position 5378, A replaced by G.
Protein change: p.Asn1793Ser; replaces asparagine 1793 with serine.
Molecular consequence: missense variant.
Genome position (GRCh38, 1-based): chr11:77,204,127, A>G. VCF-style: chr11-77204127-A-G. GRCh37 (hg19) VCF-style: chr11-76915172-A-G.
Other names: c.5264A>G, p.Asn1755Ser (NM_001127180.2); c.5231A>G, p.Asn1744Ser (NM_001369365.1); short protein forms N1793S, N1744S, N1755S.
Identifiers: ClinVar variation 942154 (VCV000942154.9), dbSNP rs745704600, ClinGen allele CA6198696.
Genomic context (GRCh38, chr11:77,204,127, plus strand): 5'-AGTCCCCAGCTGTGCTCAAGTACATGGGCGACTACCCGTCCAAGAGGACACGCTCCGTCA[A>G]CGAGCTCACCGACCAGATCTTTGAGGGTCCCCTGAAAGCCGAGCCCCTGAAGGACGAGGC-3'
Protein context (NP_000251.3, residues 1783-1803): DYPSKRTRSV[Asn1793Ser]ELTDQIFEGP